The following is an entry in ClinVar:

ClinVar aggregate classification (germline): Benign/Likely benign. Review status: criteria provided, multiple submitters, no conflicts (2 of 4 stars). 3 submissions from 3 submitters: Benign (1); Likely benign (2). Last evaluated 2026-01-27.

Conditions:
Brugada syndrome 5 (BRGDA5). Identifiers: Orphanet 130, Orphanet 871, MedGen C2748541, MONDO:0013015, OMIM 612838.

Allele frequency attached by ClinVar (database versions not stated): TOPMed 0.00004.
gnomAD v4.1: 59 of 1,612,900 alleles (0.0037%); highest among the groups gnomAD compares: Admixed American, 0.025%; no homozygotes.

Submissions (3):

Labcorp Genetics (formerly Invitae), Labcorp
Classification: Likely benign for Brugada syndrome 5. Last evaluated: 2026-01-27. Review status: criteria provided, single submitter. Criteria: Invitae Variant Classification Sherloc (09022015). Collection method: clinical testing. Allele origin: germline.

Women's Health and Genetics/Laboratory Corporation of America, LabCorp
Classification: Benign. Last evaluated: 2020-10-26. Review status: criteria provided, single submitter. Criteria: LabCorp Variant Classification Summary - May 2015. Collection method: clinical testing. Allele origin: germline.
Comment: Variant summary: SCN1B c.207+13C>T alters a non-conserved nucleotide located close to a canonical splice site and therefore could affect mRNA splicing, leading to a significantly altered protein sequence. 4/4 computational tools predict no significant impact on normal splicing. However, these predictions have yet to be confirmed by functional studies. The variant allele was found at a frequency of 0.0001 in 143232 control chromosomes (gnomAD v3). The observed variant frequency is approximately 10 fold of the estimated maximal expected allele frequency for a pathogenic variant in SCN1B causing Arrhythmia phenotype (1e-05), strongly suggesting that the variant is benign. To our knowledge, no occurrence of c.207+13C>T in individuals affected with Arrhythmia and no experimental evidence demonstrating its impact on protein function have been reported. One co-occurrence with another pathogenic variant has been internally reported ( SCN5A c.5443_5446delTCTG , p.Ser1815ThrfsX18), providing supporting evidence for a benign role. One ClinVar submitter (evaluation after 2014) cites this variant as likely benign. Based on the evidence outlined above, the variant was classified as benign.

GeneDx
Classification: Likely benign. Last evaluated: 2017-03-02. Review status: criteria provided, single submitter. Criteria: GeneDx Variant Classification (06012015). Collection method: clinical testing. Allele origin: germline. Affected: yes.
Comment: This variant is considered likely benign or benign based on one or more of the following criteria: it is a conservative change, it occurs at a poorly conserved position in the protein, it is predicted to be benign by multiple in silico algorithms, and/or has population frequency not consistent with disease.

NM_001037.5(SCN1B):c.207+13C>T

Gene: SCN1B (sodium voltage-gated channel beta subunit 1; plus strand). Cytogenetic location: 19q13.11.
Variant type: single nucleotide variant.
Coding change: c.207+13C>T on transcript NM_001037.5 (MANE Select); 13 bases into the intron after coding-DNA position 207, C replaced by T.
Molecular consequence: intron variant.
Genome position (GRCh38, 1-based): chr19:35,032,707, C>T. VCF-style: chr19-35032707-C-T. GRCh37 (hg19) VCF-style: chr19-35523611-C-T.
Other names: c.207+13C>T (NM_199037.5); c.108+13C>T (NM_001321605.2).
Identifiers: ClinVar variation 386789 (VCV000386789.9), dbSNP rs373809858, ClinGen allele CA16608117.